The following is an entry in ClinVar:

NM_000204.5(CFI):c.175_176insCAATGTTTGTAACTACCGTATCAGTGCCCAAAGTTTACAAACG (p.Cys59fs)

Gene: CFI (complement factor I; minus strand). Cytogenetic location: 4q25.
Variant type: Insertion.
Coding change: c.175_176insCAATGTTTGTAACTACCGTATCAGTGCCCAAAGTTTACAAACG on transcript NM_000204.5 (MANE Select); coding-DNA positions 175 to 176, CAATGTTTGTAACTACCGTATCAGTGCCCAAAGTTTACAAACG inserted.
Protein change: p.Cys59fs; shifts the reading frame from cysteine 59.
Molecular consequence: frameshift variant. On other transcripts: non-coding transcript variant (3), intron variant (1).
Genome position: GRCh38: chr4:109,766,706-109,766,707. GRCh37 (hg19): chr4:110,687,862-110,687,863.
Other names: c.175_176insCAATGTTTGTAACTACCGTATCAGTGCCCAAAGTTTACAAACG, p.Cys59fs (NM_001318057.2, NM_001331035.2, NM_001375278.1 and 5 more transcripts); c.-127-5015_-127-5014insCAATGTTTGTAACTACCGTATCAGTGCCCAAAGTTTACAAACG (NM_001375284.1); short protein forms C59fs.
Identifiers: ClinVar variation 3690557 (VCV003690557.2).
Genomic context (GRCh38, chr4:109,766,706, plus strand): 5'-CTGTTAGTTGCACACACTGCAGTGCCATTCTTTGGGCACTGATACGGTAGTTTACAAACA[C>CCGTTTGTAAACTTTGGGCACTGATACGGTAGTTACAAACATTG]AGGTGCCCTCAATGCATCTCTGCCATGGCTGGCAGAAGACTTTATCGCAGGAGAGGTGAG-3'

ClinVar aggregate classification (germline): Pathogenic (1 of 4 stars; one submission).

Submission:

Labcorp Genetics (formerly Invitae), Labcorp
Classification: Pathogenic. Last evaluated: 2025-01-06. Review status: criteria provided, single submitter. Criteria: Invitae Variant Classification Sherloc (09022015). Collection method: clinical testing. Allele origin: germline.
Comment: This sequence change creates a premature translational stop signal (p.Cys59Serfs*18) in the CFI gene. It is expected to result in an absent or disrupted protein product. Loss-of-function variants in CFI are known to be pathogenic (PMID: 15917334, 16621965, 19065647, 20016463, 22710145). This variant is not present in population databases (gnomAD no frequency). This variant has not been reported in the literature in individuals affected with CFI-related conditions. For these reasons, this variant has been classified as Pathogenic.

Literature cited by the submitters: PubMed 15917334; PubMed 16621965; PubMed 19065647; PubMed 20016463; PubMed 22710145.